The following is an entry in ClinVar:

NM_001184.4(ATR):c.965T>C (p.Leu322Pro)

Gene: ATR (ATR checkpoint kinase; minus strand). Cytogenetic location: 3q23.
Variant type: single nucleotide variant.
Coding change: c.965T>C on transcript NM_001184.4 (MANE Select); coding-DNA position 965, T replaced by C.
Protein change: p.Leu322Pro; replaces leucine 322 with proline.
Molecular consequence: missense variant.
Genome position (GRCh38, 1-based): chr3:142,562,437, A>G on the plus strand (T>C on the coding strand, the complement: ATR is on the minus strand). VCF-style: chr3-142562437-A-G. GRCh37 (hg19) VCF-style: chr3-142281279-A-G.
Other names: c.965T>C, p.Leu322Pro (NM_001354579.2); short protein forms L322P.
Identifiers: ClinVar variation 1355915 (VCV001355915.11), dbSNP rs2108487258, ClinGen allele CA354824326.

ClinVar aggregate classification (germline): Uncertain significance. Review status: criteria provided, multiple submitters, no conflicts (2 of 4 stars). 4 submissions from 3 submitters: Uncertain significance (4). Last evaluated 2024-10-21.

Conditions:
Familial cutaneous telangiectasia and oropharyngeal predisposition cancer syndrome. Identifiers: Orphanet 313846, MedGen C3281203, MONDO:0013806, OMIM 614564.
Seckel syndrome 1 (SCKL1). Also called: MICROCEPHALIC PRIMORDIAL DWARFISM I. Identifiers: Orphanet 808, MedGen C4551474, MONDO:0008869, OMIM 210600.
Inborn genetic diseases. Identifiers: MedGen C0950123, MeSH D030342.

Allele frequency attached by ClinVar (database versions not stated): gnomAD exomes below 0.00001.

Submissions (4):

Ambry Genetics
Classification: Uncertain significance for Inborn genetic diseases. Last evaluated: 2024-10-21. Review status: criteria provided, single submitter. Criteria: Ambry Variant Classification Scheme 2023. Collection method: clinical testing. Allele origin: germline.
Comment: The p.L322P variant (also known as c.965T>C), located in coding exon 4 of the ATR gene, results from a T to C substitution at nucleotide position 965. The leucine at codon 322 is replaced by proline, an amino acid with similar properties. This amino acid position is conserved. In addition, this alteration is predicted to be deleterious by in silico analysis. Since supporting evidence is limited at this time, the clinical significance of this alteration remains unclear.

Labcorp Genetics (formerly Invitae), Labcorp
Classification: Uncertain significance. Last evaluated: 2023-10-22. Review status: criteria provided, single submitter. Criteria: Invitae Variant Classification Sherloc (09022015). Collection method: clinical testing. Allele origin: germline.
Comment: This sequence change replaces leucine, which is neutral and non-polar, with proline, which is neutral and non-polar, at codon 322 of the ATR protein (p.Leu322Pro). This variant is not present in population databases (gnomAD no frequency). This variant has not been reported in the literature in individuals affected with ATR-related conditions. ClinVar contains an entry for this variant (Variation ID: 1355915). An algorithm developed to predict the effect of missense changes on protein structure and function (PolyPhen-2) suggests that this variant is likely to be disruptive. In summary, the available evidence is currently insufficient to determine the role of this variant in disease. Therefore, it has been classified as a Variant of Uncertain Significance.

Genome-Nilou Lab
Classification: Uncertain significance for Seckel syndrome 1. Last evaluated: 2023-02-08. Review status: criteria provided, single submitter. Criteria: ACMG Guidelines, 2015. Collection method: clinical testing. Allele origin: germline.

Genome-Nilou Lab
Classification: Uncertain significance for Familial cutaneous telangiectasia and oropharyngeal predisposition cancer syndrome. Last evaluated: 2023-02-08. Review status: criteria provided, single submitter. Criteria: ACMG Guidelines, 2015. Collection method: clinical testing. Allele origin: germline.